The following is an entry in ClinVar:

ClinVar aggregate classification (germline): Uncertain significance (1 of 4 stars; one submission).

gnomAD v4.1: 3 of 1,613,822 alleles (0.00019%); highest among the groups gnomAD compares: Non-Finnish European, 0.00025%; no homozygotes.

Submission:

GeneDx
Classification: Uncertain significance. Last evaluated: 2025-06-05. Review status: criteria provided, single submitter. Criteria: GeneDx Variant Classification Process June 2021. Collection method: clinical testing. Allele origin: germline. Affected: yes.
Comment: Not observed at significant frequency in large population cohorts (gnomAD); In silico analysis supports that this missense variant has a deleterious effect on protein structure/function; Has not been previously published as pathogenic or benign to our knowledge

NM_001164760.2(PRKAR1B):c.601G>A (p.Gly201Arg)

Gene: PRKAR1B (protein kinase cAMP-dependent type I regulatory subunit beta; minus strand). Cytogenetic location: 7p22.3.
Variant type: single nucleotide variant.
Coding change: c.601G>A on transcript NM_001164760.2 (MANE Select); coding-DNA position 601, G replaced by A.
Protein change: p.Gly201Arg; replaces glycine 201 with arginine.
Molecular consequence: missense variant.
Genome position (GRCh38, 1-based): chr7:596,253, C>T on the plus strand (G>A on the coding strand, the complement: PRKAR1B is on the minus strand). VCF-style: chr7-596253-C-T. GRCh37 (hg19) VCF-style: chr7-635890-C-T.
Other names: c.601G>A, p.Gly201Arg (NM_001164758.2, NM_001164759.1, NM_001164761.2 and 2 more transcripts); short protein forms G201R.
Identifiers: ClinVar variation 4537974 (VCV004537974.1).